The following is an entry in ClinVar:

ClinVar aggregate classification (germline): Uncertain significance. Review status: criteria provided, multiple submitters, no conflicts (2 of 4 stars). 2 submissions from 2 submitters: Uncertain significance (2). Last evaluated 2026-03-17.

Conditions:
Inborn genetic diseases. Identifiers: MedGen C0950123, MeSH D030342.
Acyl-CoA oxidase deficiency. Also called: Peroxisomal acyl-CoA oxidase deficiency; STRAIGHT-CHAIN ACYL-CoA OXIDASE DEFICIENCY; Pseudoneonatal adrenoleukodystrophy. Identifiers: Orphanet 2971, MedGen C1849678, MONDO:0009919, OMIM 264470. Disease mechanism: loss of function.

Allele frequency attached by ClinVar (database versions not stated): gnomAD exomes below 0.00001 and 0.00001.
gnomAD v4.1: 3 of 1,614,194 alleles (0.00019%); highest among the groups gnomAD compares: Non-Finnish European, 0.00025%; no homozygotes.

Submissions (2):

Ambry Genetics
Classification: Uncertain significance for Inborn genetic diseases. Last evaluated: 2026-03-17. Review status: criteria provided, single submitter. Criteria: Ambry Variant Classification Scheme 2023. Collection method: clinical testing. Allele origin: germline.
Comment: The c.859G>A (p.G287R) alteration is located in exon 7 (coding exon 7) of the ACOX1 gene. This alteration results from a G to A substitution at nucleotide position 859, causing the glycine (G) at amino acid position 287 to be replaced by an arginine (R). Based on data from gnomAD, the A allele has an overall frequency of <0.001% (1/251468) total alleles studied. The highest observed frequency was 0.001% (1/113748) of European (non-Finnish) alleles. Based on insufficient or conflicting evidence, the clinical significance of this alteration remains unclear.

Labcorp Genetics (formerly Invitae), Labcorp
Classification: Uncertain significance for Acyl-CoA oxidase deficiency. Last evaluated: 2021-08-12. Review status: criteria provided, single submitter. Criteria: Invitae Variant Classification Sherloc (09022015). Collection method: clinical testing. Allele origin: germline.
Comment: Algorithms developed to predict the effect of missense changes on protein structure and function (SIFT, PolyPhen-2, Align-GVGD) all suggest that this variant is likely to be tolerated, but these predictions have not been confirmed by published functional studies and their clinical significance is uncertain. In summary, the available evidence is currently insufficient to determine the role of this variant in disease. Therefore, it has been classified as a Variant of Uncertain Significance. This variant has not been reported in the literature in individuals with ACOX1-related conditions. This variant is not present in population databases (ExAC no frequency). This sequence change replaces glycine with arginine at codon 287 of the ACOX1 protein (p.Gly287Arg). The glycine residue is moderately conserved and there is a moderate physicochemical difference between glycine and arginine.

NM_004035.7(ACOX1):c.859G>A (p.Gly287Arg)

Gene: ACOX1 (acyl-CoA oxidase 1; minus strand). Cytogenetic location: 17q25.1.
Variant type: single nucleotide variant.
Coding change: c.859G>A on transcript NM_004035.7 (MANE Select); coding-DNA position 859, G replaced by A.
Protein change: p.Gly287Arg; replaces glycine 287 with arginine.
Molecular consequence: missense variant.
Genome position (GRCh38, 1-based): chr17:75,953,536, C>T on the plus strand (G>A on the coding strand, the complement: ACOX1 is on the minus strand). VCF-style: chr17-75953536-C-T. GRCh37 (hg19) VCF-style: chr17-73949617-C-T.
Other names: c.745G>A, p.Gly249Arg (NM_001185039.2); c.859G>A, p.Gly287Arg (NM_007292.6); c.859G>A (NM_004035.6); short protein forms G287R, G249R.
Identifiers: ClinVar variation 1517789 (VCV001517789.9), dbSNP rs1476487288, ClinGen allele CA401065587.